The following is an entry in ClinVar:

ClinVar aggregate classification (germline): Likely benign (1 of 4 stars; one submission).

gnomAD v4.1: 7 of 1,589,642 alleles (0.00044%); highest among the groups gnomAD compares: Non-Finnish European, 0.0006%; no homozygotes.

Submission:

Mayo Clinic Laboratories, Mayo Clinic
Classification: Likely benign. Last evaluated: 2025-09-30. Review status: criteria provided, single submitter. Criteria: ACMG Guidelines, 2015. Collection method: clinical testing. Allele origin: germline. Observed: 1 variant allele.
Comment: BP4, BP7

NM_001002010.5(NT5C3A):c.45C>T (p.Ala15=)

Gene: NT5C3A (5'-nucleotidase, cytosolic IIIA; minus strand). Cytogenetic location: 7p14.3.
Variant type: single nucleotide variant.
Coding change: c.45C>T on transcript NM_001002010.5 (MANE Select); coding-DNA position 45, C replaced by T.
Protein change: p.Ala15=; no amino-acid change (alanine 15 retained).
Molecular consequence: synonymous variant. On other transcripts: 5 prime UTR variant (3).
Genome position (GRCh38, 1-based): chr7:33,062,661, G>A on the plus strand (C>T on the coding strand, the complement: NT5C3A is on the minus strand). VCF-style: chr7-33062661-G-A. GRCh37 (hg19) VCF-style: chr7-33102273-G-A.
Other names: p.Ala15=; c.-113C>T (NM_001002009.3, NM_001374339.1); c.45C>T, p.Ala15= (NM_001374335.1, NM_001374338.1); c.-230C>T (NM_001374336.1).
Identifiers: ClinVar variation 4683259 (VCV004683259.1).